The following is an entry in ClinVar:

ClinVar aggregate classification (germline): Uncertain significance (1 of 4 stars; one submission).

Conditions:
CACNA1C-related disorder. Also called: CACNA1C-related condition; CACNA1C-related disorders. Identifiers: MedGen CN381092, MONDO:0700321.

Submission:

PreventionGenetics, part of Exact Sciences
Classification: Uncertain significance for CACNA1C-related condition. Last evaluated: 2023-08-08. Review status: criteria provided, single submitter. Criteria: ACMG Guidelines, 2015. Collection method: clinical testing. Allele origin: germline.
Comment: The CACNA1C c.5065G>T variant is predicted to result in the amino acid substitution p.Ala1689Ser. To our knowledge, this variant has not been reported in the literature or in a large population database, indicating this variant is rare. At this time, the clinical significance of this variant is uncertain due to the absence of conclusive functional and genetic evidence.

NM_000719.7(CACNA1C):c.5065G>T (p.Ala1689Ser)

Genes: CACNA1C (calcium voltage-gated channel subunit alpha1 C; plus strand), CACNA1C-AS1 (CACNA1C antisense RNA 1; minus strand). Cytogenetic location: 12p13.33.
Variant type: single nucleotide variant.
Coding change: c.5065G>T on transcript NM_000719.7 (MANE Select); coding-DNA position 5065, G replaced by T.
Protein change: p.Ala1689Ser; replaces alanine 1689 with serine.
Molecular consequence: missense variant. On other transcripts: non-coding transcript variant (1).
Genome position (GRCh38, 1-based): chr12:2,677,841, G>T. VCF-style: chr12-2677841-G-T. GRCh37 (hg19) VCF-style: chr12-2787007-G-T.
Other names: c.5065G>T, p.Ala1689Ser (NM_001129830.3, NM_001129840.2, NM_001129841.2 and 4 more transcripts); c.5149G>T, p.Ala1717Ser (NM_001129831.2); c.5125G>T, p.Ala1709Ser (NM_001129832.2); c.5122G>T, p.Ala1708Ser (NM_001129833.2, NM_001129834.2, NM_001129835.2); c.5116G>T, p.Ala1706Ser (NM_001129836.2); c.5089G>T, p.Ala1697Ser (NM_001129837.2, NM_001129838.2); c.5083G>T, p.Ala1695Ser (NM_001129839.2); c.5056G>T, p.Ala1686Ser (NM_001129844.2); and 3 more; short protein forms A1678S, A1686S, A1689S, A1695S, A1697S, A1706S, A1708S, A1709S.
Identifiers: ClinVar variation 2631227 (VCV002631227.1), dbSNP rs368700869, ClinGen allele CA383378409.